The following is an entry in ClinVar:

NM_000430.4(PAFAH1B1):c.985A>T (p.Met329Leu)

Gene: PAFAH1B1 (platelet activating factor acetylhydrolase 1b regulatory subunit 1; plus strand). Cytogenetic location: 17p13.3.
Variant type: single nucleotide variant.
Coding change: c.985A>T on transcript NM_000430.4 (MANE Select); coding-DNA position 985, A replaced by T.
Protein change: p.Met329Leu; replaces methionine 329 with leucine.
Molecular consequence: missense variant.
Genome position (GRCh38, 1-based): chr17:2,676,589, A>T. VCF-style: chr17-2676589-A-T. GRCh37 (hg19) VCF-style: chr17-2579883-A-T.
Other names: short protein forms M329L.
Identifiers: ClinVar variation 3927311 (VCV003927311.3).

ClinVar aggregate classification (germline): Uncertain significance. Review status: criteria provided, multiple submitters, no conflicts (2 of 4 stars). 2 submissions from 2 submitters: Uncertain significance (2). Last evaluated 2025-04-09.

Conditions:
Inborn genetic diseases. Identifiers: MedGen C0950123, MeSH D030342.

Submissions (2):

Ambry Genetics
Classification: Uncertain significance for Inborn genetic diseases. Last evaluated: 2025-04-09. Review status: criteria provided, single submitter. Criteria: Ambry Variant Classification Scheme 2023. Collection method: clinical testing. Allele origin: germline.

Dasa
Classification: Uncertain significance. Last evaluated: 2025-02-18. Review status: criteria provided, single submitter. Criteria: DASA Assertion Criteria. Collection method: clinical testing. Allele origin: germline.
Comment: NM_000430.4(PAFAH1B1):c.985A>T (p.Met329Leu) is a missense variant that results in the substitution of methionine with leucine. The affected residue or protein region has prior evidence supporting clinical relevance. This variant is rare in population databases. Computational prediction algorithms are consistent with a benign effect. The currently available literature and clinical evidence are not sufficient to establish a definitive association between this variant and the reported condition. Therefore, this variant is classified as a variant of uncertain significance.